The following is an entry in ClinVar:

ClinVar aggregate classification (germline): Likely benign. Review status: criteria provided, single submitter (1 of 4 stars). 2 submissions from 2 submitters: Likely benign (1). 1 of the submissions does not count toward it. Last evaluated 2025-08-14.

Conditions:
MYO5B-related disorder. Also called: MYO5B-related condition.

Allele frequency attached by ClinVar (database versions not stated): ExAC 0.00006; gnomAD exomes 0.00006; TOPMed 0.00007; gnomAD 0.00009.
gnomAD v4.1: 100 of 1,613,816 alleles (0.0062%); highest among the groups gnomAD compares: South Asian, 0.041%; no homozygotes.

Submissions (2):

Labcorp Genetics (formerly Invitae), Labcorp
Classification: Likely benign. Last evaluated: 2025-08-14. Review status: criteria provided, single submitter. Criteria: Invitae Variant Classification Sherloc (09022015). Collection method: clinical testing. Allele origin: germline.

PreventionGenetics, part of Exact Sciences
Classification: Likely benign for MYO5B-related condition. Last evaluated: 2019-05-20. Review status: no assertion criteria provided. Collection method: clinical testing. Allele origin: germline. Not counted in ClinVar's aggregate classification.
Comment: This variant is classified as likely benign based on ACMG/AMP sequence variant interpretation guidelines (Richards et al. 2015 PMID: 25741868, with internal and published modifications).

NM_001080467.3(MYO5B):c.900C>T (p.Asp300=)

Gene: MYO5B (myosin VB; minus strand). Cytogenetic location: 18q21.1.
Variant type: single nucleotide variant.
Coding change: c.900C>T on transcript NM_001080467.3 (MANE Select); coding-DNA position 900, C replaced by T.
Protein change: p.Asp300=; no amino-acid change (aspartic acid 300 retained).
Molecular consequence: synonymous variant.
Genome position (GRCh38, 1-based): chr18:49,984,764, G>A on the plus strand (C>T on the coding strand, the complement: MYO5B is on the minus strand). VCF-style: chr18-49984764-G-A. GRCh37 (hg19) VCF-style: chr18-47511134-G-A.
Other names: c.900C>T (NM_001080467.2).
Identifiers: ClinVar variation 1530020 (VCV001530020.10), dbSNP rs768088806, ClinGen allele CA8961725.